The following is an entry in ClinVar:

NM_000553.6(WRN):c.1039T>C (p.Trp347Arg)

Gene: WRN (WRN RecQ like helicase; plus strand). Cytogenetic location: 8p12.
Variant type: single nucleotide variant.
Coding change: c.1039T>C on transcript NM_000553.6 (MANE Select); coding-DNA position 1039, T replaced by C.
Protein change: p.Trp347Arg; replaces tryptophan 347 with arginine.
Molecular consequence: missense variant.
Genome position (GRCh38, 1-based): chr8:31,081,066, T>C. VCF-style: chr8-31081066-T-C. GRCh37 (hg19) VCF-style: chr8-30938582-T-C.
Other names: short protein forms W347R.
Identifiers: ClinVar variation 1347721 (VCV001347721.8), dbSNP rs2130119241, ClinGen allele CA370920381.

ClinVar aggregate classification (germline): Uncertain significance (1 of 4 stars; one submission).

Conditions:
Werner syndrome (WRN). Identifiers: Orphanet 902, MedGen C0043119, MONDO:0010196, OMIM 277700.

Submission:

Labcorp Genetics (formerly Invitae), Labcorp
Classification: Uncertain significance for Werner syndrome. Last evaluated: 2022-07-19. Review status: criteria provided, single submitter. Criteria: Invitae Variant Classification Sherloc (09022015). Collection method: clinical testing. Allele origin: germline.
Comment: In summary, the available evidence is currently insufficient to determine the role of this variant in disease. Therefore, it has been classified as a Variant of Uncertain Significance. Algorithms developed to predict the effect of missense changes on protein structure and function output the following: SIFT: "Not Available"; PolyPhen-2: "Benign"; Align-GVGD: "Not Available". The arginine amino acid residue is found in multiple mammalian species, which suggests that this missense change does not adversely affect protein function. ClinVar contains an entry for this variant (Variation ID: 1347721). This variant has not been reported in the literature in individuals affected with WRN-related conditions. This variant is not present in population databases (gnomAD no frequency). This sequence change replaces tryptophan, which is neutral and slightly polar, with arginine, which is basic and polar, at codon 347 of the WRN protein (p.Trp347Arg).